The following is an entry in ClinVar:

NM_001567.4(INPPL1):c.2122+3C>T

Gene: INPPL1 (inositol polyphosphate phosphatase like 1; plus strand). Cytogenetic location: 11q13.4.
Variant type: single nucleotide variant.
Coding change: c.2122+3C>T on transcript NM_001567.4 (MANE Select); 3 bases into the intron after coding-DNA position 2122, C replaced by T.
Molecular consequence: intron variant.
Genome position (GRCh38, 1-based): chr11:72,233,525, C>T. VCF-style: chr11-72233525-C-T. GRCh37 (hg19) VCF-style: chr11-71944569-C-T.
Identifiers: ClinVar variation 1957808 (VCV001957808.5), dbSNP rs1234727786, ClinGen allele CA2580084841.

ClinVar aggregate classification (germline): Uncertain significance (1 of 4 stars; one submission).

gnomAD v4.1: 1 of 1,613,750 alleles (0.000062%); no homozygotes.

Submission:

Labcorp Genetics (formerly Invitae), Labcorp
Classification: Uncertain significance. Last evaluated: 2022-05-31. Review status: criteria provided, single submitter. Criteria: Invitae Variant Classification Sherloc (09022015). Collection method: clinical testing. Allele origin: germline.
Comment: This variant is not present in population databases (gnomAD no frequency). In summary, the available evidence is currently insufficient to determine the role of this variant in disease. Therefore, it has been classified as a Variant of Uncertain Significance. Variants that disrupt the consensus splice site are a relatively common cause of aberrant splicing (PMID: 17576681, 9536098). Algorithms developed to predict the effect of sequence changes on RNA splicing suggest that this variant is not likely to affect RNA splicing. This variant has not been reported in the literature in individuals affected with INPPL1-related conditions. This sequence change falls in intron 18 of the INPPL1 gene. It does not directly change the encoded amino acid sequence of the INPPL1 protein. It affects a nucleotide within the consensus splice site.

Literature cited by the submitters: PubMed 17576681; PubMed 9536098.